The following is an entry in ClinVar:

ClinVar aggregate classification (germline): Uncertain significance. Review status: criteria provided, multiple submitters, no conflicts (2 of 4 stars). 2 submissions from 2 submitters: Uncertain significance (2). Last evaluated 2024-09-02.

Conditions:
Neuropathy, hereditary sensory and autonomic, type 2A (HSAN2A). Also called: ACROOSTEOLYSIS, GIACCAI TYPE; ACROOSTEOLYSIS, NEUROGENIC; MORVAN DISEASE; NEUROPATHY, CONGENITAL SENSORY; NEUROPATHY, HEREDITARY SENSORY RADICULAR, AUTOSOMAL RECESSIVE; NEUROPATHY, HEREDITARY SENSORY, TYPE IIA. Identifiers: Orphanet 970, MedGen C2752089, MONDO:0024309, OMIM 201300.
Pseudohypoaldosteronism type 2C (PHA2C). Also called: Pseudohypoaldosteronism Type IIC. Identifiers: Orphanet 757, Orphanet 88940, MedGen C1840391, MONDO:0013778, OMIM 614492.

Allele frequency attached by ClinVar (database versions not stated): gnomAD 0.00001 and 0.00002; ExAC 0.00002; gnomAD exomes 0.00002; TOPMed 0.00003.
gnomAD v4.1: 10 of 1,613,916 alleles (0.00062%); highest among the groups gnomAD compares: Admixed American, 0.0033%; no homozygotes.

Submissions (2):

Labcorp Genetics (formerly Invitae), Labcorp
Classification: Uncertain significance for Neuropathy, hereditary sensory and autonomic, type 2A; Pseudohypoaldosteronism type 2C. Last evaluated: 2024-09-02. Review status: criteria provided, single submitter. Criteria: Invitae Variant Classification Sherloc (09022015). Collection method: clinical testing. Allele origin: germline.
Comment: This sequence change replaces serine, which is neutral and polar, with leucine, which is neutral and non-polar, at codon 1428 of the WNK1 protein (p.Ser1428Leu). This variant is present in population databases (rs754769050, gnomAD 0.003%). This variant has not been reported in the literature in individuals affected with WNK1-related conditions. ClinVar contains an entry for this variant (Variation ID: 310819). Invitae Evidence Modeling of protein sequence and biophysical properties (such as structural, functional, and spatial information, amino acid conservation, physicochemical variation, residue mobility, and thermodynamic stability) indicates that this missense variant is not expected to disrupt WNK1 protein function with a negative predictive value of 95%. In summary, the available evidence is currently insufficient to determine the role of this variant in disease. Therefore, it has been classified as a Variant of Uncertain Significance.

Illumina Laboratory Services, Illumina
Classification: Uncertain significance for Pseudohypoaldosteronism type 2C. Last evaluated: 2018-01-13. Review status: criteria provided, single submitter. Criteria: ICSL Variant Classification Criteria 13 December 2019. Collection method: clinical testing. Allele origin: germline.

NM_018979.4(WNK1):c.3527C>T (p.Ser1176Leu)

Gene: WNK1 (WNK lysine deficient protein kinase 1; plus strand). Cytogenetic location: 12p13.33.
Variant type: single nucleotide variant.
Coding change: c.3527C>T on transcript NM_018979.4 (MANE Select); coding-DNA position 3527, C replaced by T.
Protein change: p.Ser1176Leu; replaces serine 1176 with leucine.
Molecular consequence: missense variant.
Genome position (GRCh38, 1-based): chr12:883,432, C>T. VCF-style: chr12-883432-C-T. GRCh37 (hg19) VCF-style: chr12-992598-C-T.
Other names: c.4307C>T, p.Ser1436Leu (NM_001184985.2); c.2786C>T, p.Ser929Leu (NM_014823.3); c.4283C>T, p.Ser1428Leu (NM_213655.5); short protein forms S1176L, S1428L, S1436L, S929L.
Identifiers: ClinVar variation 310819 (VCV000310819.12), dbSNP rs754769050, ClinGen allele CA6382797.